The following is an entry in ClinVar:

ClinVar aggregate classification (germline): Benign. Review status: criteria provided, multiple submitters, no conflicts (2 of 4 stars). 2 submissions from 2 submitters: Benign (2). Last evaluated 2018-06-16.

Allele frequency attached by ClinVar (database versions not stated): 1000 Genomes Project 0.23103; 1000 Genomes Project 30x 0.24141; gnomAD 0.28098 and 0.28874; TOPMed 0.28776.
gnomAD v4.1: 42,611 of 151,862 alleles (28%); highest among the groups gnomAD compares: African/African-American, 36%; 6,223 homozygotes.

Submissions (2):

GeneDx
Classification: Benign. Last evaluated: 2018-06-16. Review status: criteria provided, single submitter. Criteria: GeneDx Variant Classification (06012015). Collection method: clinical testing. Allele origin: germline. Affected: yes.
Comment: This variant is considered likely benign or benign based on one or more of the following criteria: it is a conservative change, it occurs at a poorly conserved position in the protein, it is predicted to be benign by multiple in silico algorithms, and/or has population frequency not consistent with disease.

Breakthrough Genomics
Classification: Benign. Review status: criteria provided, single submitter. Criteria: ACMG Guidelines, 2015. Collection method: not provided. Allele origin: germline. Inheritance: Autosomal dominant inheritance. Affected: yes.

NM_020975.6(RET):c.867+223A>T

Gene: RET (ret proto-oncogene; plus strand). Cytogenetic location: 10q11.21.
Variant type: single nucleotide variant.
Coding change: c.867+223A>T on transcript NM_020975.6 (MANE Select); 223 bases into the intron after coding-DNA position 867, A replaced by T.
Molecular consequence: intron variant.
Genome position (GRCh38, 1-based): chr10:43,105,416, A>T. VCF-style: chr10-43105416-A-T. GRCh37 (hg19) VCF-style: chr10-43600864-A-T.
Other names: c.867+223A>T (NM_020630.7, NM_001406743.1, NM_001406744.1 and 6 more transcripts); c.625+2787A>T (NM_001406773.1, NM_001406771.1, NM_001406782.1 and 5 more transcripts); c.738+223A>T (NM_001406764.1, NM_001406762.1, NM_001406761.1 and 2 more transcripts); c.496+2787A>T (NM_001406786.1, NM_001406783.1); c.579+223A>T (NM_001406770.1, NM_001406766.1, NM_001406767.1); c.338-3615A>T (NM_001406778.1, NM_001406775.1, NM_001406776.1 and 1 more transcripts); c.337+4694A>T (NM_001406790.1, NM_001406788.1, NM_001406789.1 and 1 more transcripts); c.74-3615A>T (NM_001406784.1); and 2 more.
Identifiers: ClinVar variation 677051 (VCV000677051.4), dbSNP rs1864406, ClinGen allele CA13152655.
Genomic context (GRCh38, chr10:43,105,416, plus strand): 5'-GAAGGGGGAGTCCTGCCAGCACCCAGCTGGGCCTTGCCTCGGGAGGCAAGGACCAGGACG[A>T]GGCCCGAGGGCTCGCGTCTGGGGCATACTTGTGCCGCTGCAGGCGGGCGCGGCGCGCTGC-3'